The following is an entry in ClinVar:

NM_000632.4(ITGAM):c.1238G>A (p.Arg413Gln)

Gene: ITGAM (integrin subunit alpha M; plus strand). Cytogenetic location: 16p11.2.
Variant type: single nucleotide variant.
Coding change: c.1238G>A on transcript NM_000632.4 (MANE Select); coding-DNA position 1238, G replaced by A.
Protein change: p.Arg413Gln; replaces arginine 413 with glutamine.
Molecular consequence: missense variant.
Genome position (GRCh38, 1-based): chr16:31,277,991, G>A. VCF-style: chr16-31277991-G-A. GRCh37 (hg19) VCF-style: chr16-31289312-G-A.
Other names: c.1238G>A, p.Arg413Gln (NM_001145808.2); short protein forms R413Q.
Identifiers: ClinVar variation 1415530 (VCV001415530.8), dbSNP rs755777607, ClinGen allele CA8025480.

ClinVar aggregate classification (germline): Uncertain significance (1 of 4 stars; one submission).

Allele frequency attached by ClinVar (database versions not stated): gnomAD exomes 0.00001 and 0.00003; gnomAD 0.00003; TOPMed 0.00003; ExAC 0.00006.
gnomAD v4.1: 15 of 1,601,462 alleles (0.00094%); highest among the groups gnomAD compares: African/African-American, 0.0054%; no homozygotes.

Submission:

Labcorp Genetics (formerly Invitae), Labcorp
Classification: Uncertain significance. Last evaluated: 2023-06-03. Review status: criteria provided, single submitter. Criteria: Invitae Variant Classification Sherloc (09022015). Collection method: clinical testing. Allele origin: germline.
Comment: This sequence change replaces arginine, which is basic and polar, with glutamine, which is neutral and polar, at codon 413 of the ITGAM protein (p.Arg413Gln). The frequency data for this variant in the population databases is considered unreliable, as metrics indicate poor data quality at this position in the gnomAD database. This variant has not been reported in the literature in individuals affected with ITGAM-related conditions. ClinVar contains an entry for this variant (Variation ID: 1415530). Algorithms developed to predict the effect of missense changes on protein structure and function output the following: SIFT: "Not Available"; PolyPhen-2: "Benign"; Align-GVGD: "Not Available". The glutamine amino acid residue is found in multiple mammalian species, which suggests that this missense change does not adversely affect protein function. Algorithms developed to predict the effect of sequence changes on RNA splicing suggest that this variant may disrupt the consensus splice site. In summary, the available evidence is currently insufficient to determine the role of this variant in disease. Therefore, it has been classified as a Variant of Uncertain Significance.